The following is an entry in ClinVar:

ClinVar aggregate classification (germline): Likely pathogenic (1 of 4 stars; one submission).

Conditions:
DGUOK-related disorder. Also called: DGUOK-related condition.

Submission:

PreventionGenetics, part of Exact Sciences
Classification: Likely pathogenic for DGUOK-related condition. Last evaluated: 2025-07-28. Review status: criteria provided, single submitter. Criteria: ACMG Guidelines, 2015. Collection method: clinical testing. Allele origin: germline.
Comment: The DGUOK c.225delG variant is predicted to result in a frameshift and premature protein termination (p.Trp75Cysfs*24). To our knowledge, this variant has not been reported in the literature or in a large population database (gnomAD), indicating this variant is rare. Frameshift variants in DGUOK are expected to be pathogenic. This variant is interpreted as likely pathogenic.

NM_080916.3(DGUOK):c.225del (p.Trp75fs)

Gene: DGUOK (deoxyguanosine kinase; plus strand). Cytogenetic location: 2p13.1.
Variant type: Deletion.
Coding change: c.225del on transcript NM_080916.3 (MANE Select); coding-DNA position 225, one base deleted (G; older notation c.225delG).
Protein change: p.Trp75fs; shifts the reading frame from tryptophan 75.
Molecular consequence: frameshift variant. On other transcripts: intron variant (4).
Genome position (GRCh38, 1-based): chr2:73,938,992, G deleted; the last of 2 consecutive G bases (chr2:73,938,991-73,938,992); deleting either gives the same sequence. VCF-style (leftmost placement, unchanged base first): chr2-73938990-TG-T. GRCh37 (hg19) VCF-style: chr2-74166117-TG-T.
Other names: c.225del, p.Trp75fs (NM_001318859.2, NM_080918.3); c.-37+6309del (NM_001318861.2, NM_001318862.2); c.-36-7727del (NM_001318860.2, NM_001318863.2); short protein forms W75fs.
Identifiers: ClinVar variation 5000283 (VCV005000283.1).
Genomic context (GRCh38, chr2:73,938,990, plus strand): 5'-GTGAAGTTACTCACGAAAACTTACCCAGAATGGCACGTAGCTACAGAACCTGTAGCAACA[TG>T]GCAGAATATCCAGGCTGCTGGCACCCAAAAAGTAAGTTTTTAGTTGTGGTGGGTAGTTGG-3'